The following is an entry in ClinVar:

NM_000180.4(GUCY2D):c.2412+4A>C

Gene: GUCY2D (guanylate cyclase 2D, retinal; plus strand). Cytogenetic location: 17p13.1.
Variant type: single nucleotide variant.
Coding change: c.2412+4A>C on transcript NM_000180.4 (MANE Select); 4 bases into the intron after coding-DNA position 2412, A replaced by C.
Molecular consequence: intron variant.
Genome position (GRCh38, 1-based): chr17:8,014,032, A>C. VCF-style: chr17-8014032-A-C. GRCh37 (hg19) VCF-style: chr17-7917350-A-C.
Identifiers: ClinVar variation 1046564 (VCV001046564.6), dbSNP rs951825929, ClinGen allele CA8366108.

ClinVar aggregate classification (germline): Uncertain significance (1 of 4 stars; one submission).

Conditions:
Cone-rod dystrophy 6 (CORD6). Also called: RETINAL CONE DYSTROPHY 2; Cone dystrophy progressive. Identifiers: Orphanet 1872, MedGen C1866293, MONDO:0011143, OMIM 601777.
Leber congenital amaurosis 1 (LCA1). Also called: Congenital absence of the rods and cones; Leber's congenital tapetoretinal degeneration; Leber's congenital tapetoretinal dysplasia; AMAUROSIS CONGENITA OF LEBER I; RETINAL BLINDNESS, CONGENITAL. Identifiers: Orphanet 65, MedGen C2931258, MONDO:0008764, OMIM 204000.

Allele frequency attached by ClinVar (database versions not stated): gnomAD 0.00001; gnomAD exomes 0.00001 and 0.00002; TOPMed 0.00002; ExAC 0.00004.
gnomAD v4.1: 7 of 1,611,798 alleles (0.00043%); highest among the groups gnomAD compares: Admixed American, 0.012%; no homozygotes.

Submission:

Labcorp Genetics (formerly Invitae), Labcorp
Classification: Uncertain significance for Leber congenital amaurosis 1; Cone-rod dystrophy 6. Last evaluated: 2024-12-02. Review status: criteria provided, single submitter. Criteria: Invitae Variant Classification Sherloc (09022015). Collection method: clinical testing. Allele origin: germline.
Comment: This sequence change falls in intron 12 of the GUCY2D gene. It does not directly change the encoded amino acid sequence of the GUCY2D protein. It affects a nucleotide within the consensus splice site. This variant is present in population databases (no rsID available, gnomAD 0.01%). This variant has not been reported in the literature in individuals affected with GUCY2D-related conditions. ClinVar contains an entry for this variant (Variation ID: 1046564). Variants that disrupt the consensus splice site are a relatively common cause of aberrant splicing (PMID: 17576681, 9536098). Algorithms developed to predict the effect of sequence changes on RNA splicing suggest that this variant may disrupt the consensus splice site. In summary, the available evidence is currently insufficient to determine the role of this variant in disease. Therefore, it has been classified as a Variant of Uncertain Significance.

Literature cited by the submitters: PubMed 17576681; PubMed 9536098.